The following is an entry in ClinVar:

NM_001042492.3(NF1):c.5282C>T (p.Ala1761Val)

Gene: NF1 (neurofibromin 1; plus strand). Cytogenetic location: 17q11.2.
Variant type: single nucleotide variant.
Coding change: c.5282C>T on transcript NM_001042492.3 (MANE Select); coding-DNA position 5282, C replaced by T.
Protein change: p.Ala1761Val; replaces alanine 1761 with valine.
Molecular consequence: missense variant.
Genome position (GRCh38, 1-based): chr17:31,327,512, C>T. VCF-style: chr17-31327512-C-T. GRCh37 (hg19) VCF-style: chr17-29654530-C-T.
Other names: c.5219C>T, p.Ala1740Val (NM_000267.4); short protein forms A1740V, A1761V.
Identifiers: ClinVar variation 1746144 (VCV001746144.2), dbSNP rs2069375331, ClinGen allele CA399008928.

ClinVar aggregate classification (germline): Uncertain significance (1 of 4 stars; one submission).

Conditions:
Cardiovascular phenotype. Identifiers: MedGen CN230736.
Hereditary cancer-predisposing syndrome. Also called: Hereditary Cancer Syndrome; Neoplastic Syndromes, Hereditary; Tumor predisposition; Hereditary neoplastic syndrome. Identifiers: Orphanet 140162, MedGen C0027672, MeSH D009386, MONDO:0015356.

Submission:

Ambry Genetics
Classification: Uncertain significance for Cardiovascular phenotype; Hereditary cancer-predisposing syndrome. Last evaluated: 2022-10-14. Review status: criteria provided, single submitter. Criteria: Ambry Variant Classification Scheme 2023. Collection method: clinical testing. Allele origin: germline.
Comment: The p.A1740V variant (also known as c.5219C>T), located in coding exon 37 of the NF1 gene, results from a C to T substitution at nucleotide position 5219. The alanine at codon 1740 is replaced by valine, an amino acid with similar properties. This amino acid position is conserved. In addition, this alteration is predicted to be deleterious by in silico analysis. Since supporting evidence is limited at this time, the clinical significance of this alteration remains unclear.